The following is an entry in ClinVar:

ClinVar aggregate classification (germline): Uncertain significance. Review status: criteria provided, multiple submitters, no conflicts (2 of 4 stars). 3 submissions from 3 submitters: Uncertain significance (3). Last evaluated 2024-06-03.

Conditions:
Combined immunodeficiency due to LRBA deficiency. Also called: Common variable immunodeficiency 8, with autoimmunity. Identifiers: Orphanet 445018, MedGen C3553512, MONDO:0013863, OMIM 614700.
Inborn genetic diseases. Identifiers: MedGen C0950123, MeSH D030342.

Allele frequency attached by ClinVar (database versions not stated): ExAC 0.00001; gnomAD exomes 0.00001; TOPMed 0.00001.
gnomAD v4.1: 13 of 1,481,928 alleles (0.00088%); highest among the groups gnomAD compares: Non-Finnish European, 0.0012%; no homozygotes.

Submissions (3):

Ambry Genetics
Classification: Uncertain significance for Inborn genetic diseases. Last evaluated: 2024-06-03. Review status: criteria provided, single submitter. Criteria: Ambry Variant Classification Scheme 2023. Collection method: clinical testing. Allele origin: germline.

Blueprint Genetics
Classification: Uncertain significance. Last evaluated: 2024-01-18. Review status: criteria provided, single submitter. Criteria: ACMG Guidelines, 2015. Collection method: clinical testing. Allele origin: germline.

Labcorp Genetics (formerly Invitae), Labcorp
Classification: Uncertain significance for Combined immunodeficiency due to LRBA deficiency. Last evaluated: 2022-04-10. Review status: criteria provided, single submitter. Criteria: Invitae Variant Classification Sherloc (09022015). Collection method: clinical testing. Allele origin: germline.
Comment: This sequence change replaces glutamic acid, which is acidic and polar, with aspartic acid, which is acidic and polar, at codon 1524 of the LRBA protein (p.Glu1524Asp). This variant is present in population databases (rs745334204, gnomAD 0.001%). This variant has not been reported in the literature in individuals affected with LRBA-related conditions. Algorithms developed to predict the effect of missense changes on protein structure and function are either unavailable or do not agree on the potential impact of this missense change (SIFT: "Tolerated"; PolyPhen-2: "Probably Damaging"; Align-GVGD: "Class C0"). Algorithms developed to predict the effect of sequence changes on RNA splicing suggest that this variant may disrupt the consensus splice site. In summary, the available evidence is currently insufficient to determine the role of this variant in disease. Therefore, it has been classified as a Variant of Uncertain Significance.

NM_001364905.1(LRBA):c.4572G>C (p.Glu1524Asp)

Gene: LRBA (LPS responsive beige-like anchor protein; minus strand). Cytogenetic location: 4q31.3.
Variant type: single nucleotide variant.
Coding change: c.4572G>C on transcript NM_001364905.1 (MANE Select); coding-DNA position 4572, G replaced by C.
Protein change: p.Glu1524Asp; replaces glutamic acid 1524 with aspartic acid.
Molecular consequence: missense variant.
Genome position (GRCh38, 1-based): chr4:150,831,974, C>G on the plus strand (G>C on the coding strand, the complement: LRBA is on the minus strand). VCF-style: chr4-150831974-C-G. GRCh37 (hg19) VCF-style: chr4-151753126-C-G.
Other names: c.4572G>C, p.Glu1524Asp (NM_001199282.3, NM_001367550.1, NM_006726.5); short protein forms E1524D.
Identifiers: ClinVar variation 1523156 (VCV001523156.6), dbSNP rs745334204, ClinGen allele CA3102703.